The following is an entry in ClinVar:

NM_000059.4(BRCA2):c.6446T>A (p.Ile2149Asn)

Gene: BRCA2 (BRCA2 DNA repair associated; plus strand). Cytogenetic location: 13q13.1.
Variant type: single nucleotide variant.
Coding change: c.6446T>A on transcript NM_000059.4 (MANE Select); coding-DNA position 6446, T replaced by A.
Protein change: p.Ile2149Asn; replaces isoleucine 2149 with asparagine.
Molecular consequence: missense variant. On other transcripts: non-coding transcript variant (1), intron variant (2).
Genome position (GRCh38, 1-based): chr13:32,340,801, T>A. VCF-style: chr13-32340801-T-A. GRCh37 (hg19) VCF-style: chr13-32914938-T-A.
Other names: c.6446T>A, p.Ile2149Asn (NM_001406719.1, NM_001406720.1, NM_001432077.1); c.1910-3757T>A (NM_001406721.1); c.425-3757T>A (NM_001406722.1); short protein forms I2149N.
Identifiers: ClinVar variation 3482068 (VCV003482068.1).

ClinVar aggregate classification (germline): Uncertain significance (1 of 4 stars; one submission).

Conditions:
Hereditary cancer-predisposing syndrome. Also called: Tumor predisposition; Neoplastic Syndromes, Hereditary; Hereditary Cancer Syndrome; Hereditary neoplastic syndrome. Identifiers: Orphanet 140162, MedGen C0027672, MeSH D009386, MONDO:0015356.

Submission:

Ambry Genetics
Classification: Uncertain significance for Hereditary cancer-predisposing syndrome. Last evaluated: 2024-08-20. Review status: criteria provided, single submitter. Criteria: Ambry Variant Classification Scheme 2023. Collection method: clinical testing. Allele origin: germline.
Comment: The p.I2149N variant (also known as c.6446T>A), located in coding exon 10 of the BRCA2 gene, results from a T to A substitution at nucleotide position 6446. The isoleucine at codon 2149 is replaced by asparagine, an amino acid with dissimilar properties. This amino acid position is conserved. In addition, the in silico prediction for this alteration is inconclusive. Based on the available evidence, the clinical significance of this variant remains unclear.